The following is an entry in ClinVar:

NM_006790.3(MYOT):c.1324+1del

Genes: PKD2L2-DT (PKD2L2 divergent transcript; minus strand), MYOT (myotilin; plus strand). Cytogenetic location: 5q31.2.
Variant type: Deletion.
Coding change: c.1324+1del on transcript NM_006790.3 (MANE Select); the canonical splice donor site of the intron after coding-DNA position 1324, one base deleted (G; older notation c.1324+1delG).
Molecular consequence: splice donor variant.
Genome position (GRCh38, 1-based): chr5:137,886,998, G deleted; the last of 3 consecutive G bases (chr5:137,886,996-137,886,998); deleting any one gives the same sequence. VCF-style (leftmost placement, unchanged base first): chr5-137886995-CG-C. GRCh37 (hg19) VCF-style: chr5-137222684-CG-C.
Other names: c.979+1del (NM_001300911.2); c.772+1del (NM_001135940.2).
Identifiers: ClinVar variation 3896926 (VCV003896926.1).

ClinVar aggregate classification (germline): Uncertain significance (1 of 4 stars; one submission).

Submission:

Kariminejad - Najmabadi Pathology & Genetics Center
Classification: Uncertain significance. Last evaluated: 2020-08-24. Review status: criteria provided, single submitter. Criteria: ACMG Guidelines, 2015. Collection method: clinical testing. Allele origin: germline. Inheritance: Autosomal dominant inheritance. Affected: yes.
Comment: PVS1_Moderate, PP3